The following is an entry in ClinVar:

NM_001199397.3(NEK1):c.2125A>G (p.Lys709Glu)

Gene: NEK1 (NIMA related kinase 1; minus strand). Cytogenetic location: 4q33.
Variant type: single nucleotide variant.
Coding change: c.2125A>G on transcript NM_001199397.3 (MANE Select); coding-DNA position 2125, A replaced by G.
Protein change: p.Lys709Glu; replaces lysine 709 with glutamic acid.
Molecular consequence: missense variant. On other transcripts: non-coding transcript variant (1).
Genome position (GRCh38, 1-based): chr4:169,479,417, T>C on the plus strand (A>G on the coding strand, the complement: NEK1 is on the minus strand). VCF-style: chr4-169479417-T-C. GRCh37 (hg19) VCF-style: chr4-170400568-T-C.
Other names: c.1993A>G, p.Lys665Glu (NM_001199398.3); c.1834A>G, p.Lys612Glu (NM_001199399.3); c.1909A>G, p.Lys637Glu (NM_001199400.3); c.2125A>G, p.Lys709Glu (NM_001374418.1); c.2041A>G, p.Lys681Glu (NM_001374419.1, NM_012224.4); c.1990A>G, p.Lys664Glu (NM_001374420.1); c.1819A>G, p.Lys607Glu (NM_001374421.1); short protein forms K637E, K664E, K665E, K607E, K709E, K681E, K612E.
Identifiers: ClinVar variation 2123823 (VCV002123823.4), dbSNP rs2546392206, ClinGen allele CA358733299.
Genomic context (GRCh38, chr4:169,479,417, plus strand): 5'-AAATAATCTTTTGACTTTGAGGAGTTCTGAATCTTAGGAAACTTACCACGCCAACTTCTT[T>C]CAAAGCTGAAGTTACAGAAATAACAGATCTCATCTGTTGCTTTGATGGAGAGCCACCTGT-3'
Protein context (NP_001186326.1, residues 699-719): RSVISVTSAL[Lys709Glu]EVGVDSSLTD

ClinVar aggregate classification (germline): Uncertain significance (1 of 4 stars; one submission).

Conditions:
Short-rib thoracic dysplasia 6 with or without polydactyly (SRTD6). Also called: SHORT-RIB THORACIC DYSPLASIA 6 WITH POLYDACTYLY; SHORT-RIB THORACIC DYSPLASIA 6 WITHOUT POLYDACTYLY; Majewski Syndrome; SHORT RIB-POLYDACTYLY SYNDROME, TYPE IIA; POLYDACTYLY WITH NEONATAL CHONDRODYSTROPHY, TYPE II. Identifiers: MedGen C0024507, MONDO:0009894, OMIM 263520.

Submission:

Labcorp Genetics (formerly Invitae), Labcorp
Classification: Uncertain significance for Short-rib thoracic dysplasia 6 with or without polydactyly. Last evaluated: 2022-04-09. Review status: criteria provided, single submitter. Criteria: Invitae Variant Classification Sherloc (09022015). Collection method: clinical testing. Allele origin: germline.
Comment: This sequence change replaces lysine, which is basic and polar, with glutamic acid, which is acidic and polar, at codon 681 of the NEK1 protein (p.Lys681Glu). This variant is not present in population databases (gnomAD no frequency). This variant has not been reported in the literature in individuals affected with NEK1-related conditions. Advanced modeling of protein sequence and biophysical properties (such as structural, functional, and spatial information, amino acid conservation, physicochemical variation, residue mobility, and thermodynamic stability) performed at Invitae indicates that this missense variant is not expected to disrupt NEK1 protein function. In summary, the available evidence is currently insufficient to determine the role of this variant in disease. Therefore, it has been classified as a Variant of Uncertain Significance.